The following is an entry in ClinVar:

ClinVar aggregate classification (germline): Uncertain significance (1 of 4 stars; one submission).

Conditions:
2-aminoadipic 2-oxoadipic aciduria (AAKAD). Also called: Aminoadipic aciduria; ALPHA-AMINOADIPIC AND ALPHA-KETOADIPIC ACIDURIA. Identifiers: Orphanet 79154, MedGen C1859817, MONDO:0008774, OMIM 204750.

Submission:

Labcorp Genetics (formerly Invitae), Labcorp
Classification: Uncertain significance for 2-aminoadipic 2-oxoadipic aciduria. Last evaluated: 2021-12-19. Review status: criteria provided, single submitter. Criteria: Invitae Variant Classification Sherloc (09022015). Collection method: clinical testing. Allele origin: germline.
Comment: In summary, the available evidence is currently insufficient to determine the role of this variant in disease. Therefore, it has been classified as a Variant of Uncertain Significance. Experimental studies and prediction algorithms are not available or were not evaluated, and the functional significance of this variant is currently unknown. This variant has not been reported in the literature in individuals affected with DHTKD1-related conditions. This variant results in a copy number gain of the genomic region encompassing exon(s) 14-17 of the DHTKD1 gene. This region includes the termination codon of the gene. This copy number gain extends beyond the assayed region for this gene and therefore may encompass additional genes. As the precise location of this event is unknown, it may be in tandem or it may be located elsewhere in the genome.

NC_000010.10:g.(?_12159652)_(12162887_?)dup

Gene: DHTKD1 (dehydrogenase E1 and transketolase domain containing 1; plus strand). Cytogenetic location: 10p14.
Variant type: Duplication.
Identifiers: ClinVar variation 2426494 (VCV002426494.6).